The following is an entry in ClinVar:

ClinVar aggregate classification (germline): Uncertain significance (1 of 4 stars; one submission).

Allele frequency attached by ClinVar (database versions not stated): gnomAD exomes below 0.00001; TOPMed 0.00001.

Submission:

Ambry Genetics
Classification: Uncertain significance. Last evaluated: 2025-04-19. Review status: criteria provided, single submitter. Criteria: Ambry Variant Classification Scheme 2023. Collection method: clinical testing. Allele origin: germline.
Comment: The p.I556M variant (also known as c.1668T>G), located in coding exon 13 of the GEN1 gene, results from a T to G substitution at nucleotide position 1668. The isoleucine at codon 556 is replaced by methionine, an amino acid with highly similar properties. This amino acid position is conserved. In addition, this alteration is predicted to be tolerated by in silico analysis. Based on the available evidence, the clinical significance of this variant remains unclear.

NM_001130009.3(GEN1):c.1668T>G (p.Ile556Met)

Gene: GEN1 (GEN1 Holliday junction 5' flap endonuclease; plus strand). Cytogenetic location: 2p24.2.
Variant type: single nucleotide variant.
Coding change: c.1668T>G on transcript NM_001130009.3 (MANE Select); coding-DNA position 1668, T replaced by G.
Protein change: p.Ile556Met; replaces isoleucine 556 with methionine.
Molecular consequence: missense variant.
Genome position (GRCh38, 1-based): chr2:17,780,880, T>G. VCF-style: chr2-17780880-T-G. GRCh37 (hg19) VCF-style: chr2-17962147-T-G.
Other names: c.1668T>G, p.Ile556Met (NM_182625.5); short protein forms I556M.
Identifiers: ClinVar variation 2527401 (VCV002527401.3), dbSNP rs1481033066, ClinGen allele CA345926366.